The following is an entry in ClinVar:

ClinVar aggregate classification (germline): Likely benign. Review status: criteria provided, single submitter (1 of 4 stars). 2 submissions from 2 submitters: Likely benign (1). 1 of the submissions does not count toward it. Last evaluated 2025-10-17.

Conditions:
CYP7B1-related disorder. Also called: CYP7B1-related condition.
Spastic paraplegia. Identifiers: MedGen C0037772, HP:0001258.

Allele frequency attached by ClinVar (database versions not stated): gnomAD 0.00003; gnomAD exomes 0.00008; ExAC 0.00009; 1000 Genomes Project 0.00020.

Submissions (2):

Labcorp Genetics (formerly Invitae), Labcorp
Classification: Likely benign for Spastic paraplegia. Last evaluated: 2025-10-17. Review status: criteria provided, single submitter. Criteria: Invitae Variant Classification Sherloc (09022015). Collection method: clinical testing. Allele origin: germline.

PreventionGenetics, part of Exact Sciences
Classification: Likely benign for CYP7B1-related condition. Last evaluated: 2021-03-31. Review status: no assertion criteria provided. Collection method: clinical testing. Allele origin: germline. Not counted in ClinVar's aggregate classification.
Comment: This variant is classified as likely benign based on ACMG/AMP sequence variant interpretation guidelines (Richards et al. 2015 PMID: 25741868, with internal and published modifications).

NM_004820.5(CYP7B1):c.260-16C>T

Gene: CYP7B1 (cytochrome P450 family 7 subfamily B member 1; minus strand). Cytogenetic location: 8q12.3.
Variant type: single nucleotide variant.
Coding change: c.260-16C>T on transcript NM_004820.5 (MANE Select); 16 bases into the intron before coding-DNA position 260, C replaced by T.
Molecular consequence: intron variant.
Genome position (GRCh38, 1-based): chr8:64,616,297, G>A on the plus strand (C>T on the coding strand, the complement: CYP7B1 is on the minus strand). VCF-style: chr8-64616297-G-A. GRCh37 (hg19) VCF-style: chr8-65528854-G-A.
Other names: c.260-16C>T (NM_001324112.2, NM_004820.4).
Identifiers: ClinVar variation 1663257 (VCV001663257.10), dbSNP rs566878245, ClinGen allele CA4764249.